The following is an entry in ClinVar:

ClinVar aggregate classification (germline): Pathogenic/Likely pathogenic. Review status: criteria provided, multiple submitters, no conflicts (2 of 4 stars). 6 submissions from 6 submitters: Pathogenic (5); Likely pathogenic (1). Last evaluated 2026-08-29.

Conditions:
Respiratory ciliopathies including non-CF bronchiectasis.
Primary ciliary dyskinesia. Also called: Ciliary dyskinesia. Identifiers: Orphanet 244, MedGen C0008780, MONDO:0016575, HP:0012265.
Primary ciliary dyskinesia 3. Identifiers: Orphanet 244, MedGen C1837618, MONDO:0012085, OMIM 608644.

Allele frequency attached by ClinVar (database versions not stated): gnomAD 0.00001; gnomAD exomes 0.00001; TOPMed 0.00001; ExAC 0.00002.
gnomAD v4.1: 21 of 1,613,930 alleles (0.0013%); highest among the groups gnomAD compares: South Asian, 0.0022%; no homozygotes.

Submissions (6):

GeneDx
Classification: Pathogenic. Last evaluated: 2026-08-29. Review status: criteria provided, single submitter. Criteria: GeneDx Variant Classification Process June 2021. Collection method: clinical testing. Allele origin: germline.
Comment: Nonsense variant predicted to result in protein truncation or nonsense mediated decay in a gene for which loss of function is a known mechanism of disease; This variant is associated with the following publications: (PMID: 30290127)

Labcorp Genetics (formerly Invitae), Labcorp
Classification: Pathogenic for Primary ciliary dyskinesia. Last evaluated: 2025-12-29. Review status: criteria provided, single submitter. Criteria: Invitae Variant Classification Sherloc (09022015). Collection method: clinical testing. Allele origin: germline.
Comment: This sequence change creates a premature translational stop signal (p.Arg742*) in the DNAH5 gene. It is expected to result in an absent or disrupted protein product. Loss-of-function variants in DNAH5 are known to be pathogenic (PMID: 11788826, 16627867). This variant is present in population databases (rs776686983, gnomAD 0.003%). This variant has not been reported in the literature in individuals affected with DNAH5-related conditions. ClinVar contains an entry for this variant (Variation ID: 454757). Algorithms developed to predict the effect of sequence changes on RNA splicing suggest that this variant may disrupt the consensus splice site. For these reasons, this variant has been classified as Pathogenic.

Natera, Inc.
Classification: Pathogenic for Primary ciliary dyskinesia. Last evaluated: 2025-01-16. Review status: criteria provided, single submitter. Criteria: Natera Variant Classification Schema (03/2026). Collection method: clinical testing. Allele origin: germline.
Comment: The c.2224C>T variant in DNAH5 is a nonsense variant predicted to introduce a stop codon at amino acid 742. This variant is expected to result in nonsense mediated decay, truncation, or a dysfunctional protein product. This variant is rare in the general population with a frequency below the threshold expected for the associated phenotype(s). This variant has been observed in one or more individuals affected with the associated recessive disease, as either homozygous or compound heterozygous with a second variant (PMID: 30290127). Given the available evidence, this variant is classified as Pathogenic.

NHS Central & South Genomic Laboratory Hub
Classification: Pathogenic for Respiratory ciliopathies including non-CF bronchiectasis. Last evaluated: 2024-11-20. Review status: criteria provided, single submitter. Criteria: ACMG Guidelines, 2015. Collection method: clinical testing. Allele origin: germline. Affected: yes.

Fulgent Genetics
Classification: Likely pathogenic for Primary ciliary dyskinesia 3. Last evaluated: 2018-10-31. Review status: criteria provided, single submitter. Criteria: ACMG Guidelines, 2015. Collection method: clinical testing. Allele origin: unknown.

Ambry Genetics
Classification: Pathogenic for Primary ciliary dyskinesia. Last evaluated: 2017-09-12. Review status: criteria provided, single submitter. Criteria: Ambry Variant Classification Scheme 2023. Collection method: clinical testing. Allele origin: germline.
Comment: The p.R742* pathogenic mutation (also known as c.2224C>T), located in coding exon 15 of the DNAH5 gene, results from a C to T substitution at nucleotide position 2224. This changes the amino acid from an arginine to a stop codon within coding exon 15. This alteration is expected to result in loss of function by premature protein truncation or nonsense-mediated mRNA decay. As such, this alteration is interpreted as a disease-causing mutation.

Literature cited by the submitters: PubMed 11788826 (cited by Labcorp Genetics (formerly Invitae), Labcorp); PubMed 16627867 (cited by Labcorp Genetics (formerly Invitae), Labcorp); PubMed 30290127 (cited by Natera, Inc.).

NM_001369.3(DNAH5):c.2224C>T (p.Arg742Ter)

Genes: DNAH5-AS1 (DNAH5 antisense RNA 1; plus strand), DNAH5 (dynein axonemal heavy chain 5; minus strand). Cytogenetic location: 5p15.2.
Variant type: single nucleotide variant.
Coding change: c.2224C>T on transcript NM_001369.3 (MANE Select); coding-DNA position 2224, C replaced by T.
Protein change: p.Arg742Ter; replaces arginine 742 with a stop codon.
Molecular consequence: nonsense.
Genome position (GRCh38, 1-based): chr5:13,900,241, G>A on the plus strand (C>T on the coding strand, the complement: DNAH5 is on the minus strand). VCF-style: chr5-13900241-G-A. GRCh37 (hg19) VCF-style: chr5-13900350-G-A.
Other names: short protein forms R742*.
Identifiers: ClinVar variation 454757 (VCV000454757.17), dbSNP rs776686983, ClinGen allele CA3204641.
Genomic context (GRCh38, chr5:13,900,241, plus strand): 5'-GGGGGAAAAAATAAAAGTAGTATACCTTCATGTTACTGAAGTTCCTTTTGTATCTATCTC[G>A]TTTCTGGAAGAGGGAAGTTGCCAGTGGAGAGACTTCCAGACCCATCTGGGCCATGCACTC-3'